The following is an entry in ClinVar:

ClinVar aggregate classification (germline): Likely pathogenic (1 of 4 stars; one submission).

Conditions:
Dextro-looped transposition of the great arteries. Also called: Dextrotransposition of the great arteries. Identifiers: Orphanet 860, MedGen C3531771, MONDO:0019443, OMIM 608808, HP:0031348.

Submission:

Labcorp Genetics (formerly Invitae), Labcorp
Classification: Likely pathogenic for Dextro-looped transposition of the great arteries. Last evaluated: 2017-11-22. Review status: criteria provided, single submitter. Criteria: Invitae Variant Classification Sherloc (09022015). Collection method: clinical testing. Allele origin: germline.
Comment: Donor and acceptor splice site variants typically lead to a loss of protein function (PMID: 16199547), and loss-of-function variants in MED13L are known to be pathogenic (PMID: 23403903). In summary, the currently available evidence indicates that the variant is pathogenic, but additional data are needed to prove that conclusively. Therefore, this variant has been classified as Likely Pathogenic. This sequence change affects an acceptor splice site in intron 8 of the MED13L gene. It is expected to disrupt RNA splicing and likely results in an absent or disrupted protein product. This variant is not present in population databases (ExAC no frequency). This variant has not been reported in the literature in individuals with MED13L-related disease. Algorithms developed to predict the effect of sequence changes on RNA splicing suggest that this variant may disrupt the consensus splice site, but this prediction has not been confirmed by published transcriptional studies.

Literature cited by the submitters: PubMed 16199547; PubMed 23403903.

NM_015335.5(MED13L):c.1176-1G>A

Gene: MED13L (mediator complex subunit 13L; minus strand). Cytogenetic location: 12q24.21.
Variant type: single nucleotide variant.
Coding change: c.1176-1G>A on transcript NM_015335.5 (MANE Select); the canonical splice acceptor site of the intron before coding-DNA position 1176, G replaced by A.
Molecular consequence: splice acceptor variant.
Genome position (GRCh38, 1-based): chr12:116,012,902, C>T on the plus strand (G>A on the coding strand, the complement: MED13L is on the minus strand). VCF-style: chr12-116012902-C-T. GRCh37 (hg19) VCF-style: chr12-116450707-C-T.
Identifiers: ClinVar variation 577695 (VCV000577695.7), dbSNP rs1566010195, ClinGen allele CA386898399.
Genomic context (GRCh38, chr12:116,012,902, plus strand): 5'-CAAGTAGCAGGATTGCTAGCAGGCTCTTCTTCAAGAGTTGGAGTTGACATTTGGCTCCTC[C>T]TAAAAGGGTTAAAAATGTGACTTATGTGTGAACATAATACCCATACCCCTGGGGAGAAAA-3'